The following is an entry in ClinVar:

NM_000748.3(CHRNB2):c.122G>A (p.Arg41His)

Gene: CHRNB2 (cholinergic receptor nicotinic beta 2 subunit; plus strand). Cytogenetic location: 1q21.3.
Variant type: single nucleotide variant.
Coding change: c.122G>A on transcript NM_000748.3 (MANE Select); coding-DNA position 122, G replaced by A.
Protein change: p.Arg41His; replaces arginine 41 with histidine.
Molecular consequence: missense variant.
Genome position (GRCh38, 1-based): chr1:154,569,519, G>A. VCF-style: chr1-154569519-G-A. GRCh37 (hg19) VCF-style: chr1-154541995-G-A.
Other names: short protein forms R41H.
Identifiers: ClinVar variation 420432 (VCV000420432.15), dbSNP rs199999862, ClinGen allele CA1130630.

ClinVar aggregate classification (germline): Conflicting classifications of pathogenicity. Review status: criteria provided, conflicting classifications (1 of 4 stars). 5 submissions from 5 submitters: Uncertain significance (3); Likely benign (2). Last evaluated 2026-03-03.

Conditions:
Autosomal dominant nocturnal frontal lobe epilepsy 3. Also called: CHRNB2-Related Nocturnal Frontal Lobe Epilepsy, Autosomal Dominant. Identifiers: Orphanet 98784, MedGen C1854335, MONDO:0011545, OMIM 605375.
Familial sleep-related hypermotor epilepsy. Also called: Autosomal Dominant Sleep-Related Hypermotor (Hyperkinetic) Epilepsy. Identifiers: Orphanet 98784, MedGen C3696898, MONDO:0000030.

Allele frequency attached by ClinVar (database versions not stated): ExAC 0.00002; gnomAD exomes 0.00002; gnomAD 0.00004 and 0.00005; TOPMed 0.00007.
gnomAD v4.1: 45 of 1,613,838 alleles (0.0028%); highest among the groups gnomAD compares: Admixed American, 0.012%; no homozygotes.

Submissions (5):

Women's Health and Genetics/Laboratory Corporation of America, LabCorp
Classification: Uncertain significance. Last evaluated: 2026-03-03. Review status: criteria provided, single submitter. Criteria: LabCorp Variant Classification Summary - May 2015. Collection method: clinical testing. Allele origin: germline.
Comment: Variant summary: CHRNB2 c.122G>A (p.Arg41His) results in a non-conservative amino acid change in the encoded protein sequence. Algorithms developed to predict the effect of missense changes on protein structure and function are either unavailable or do not agree on the potential impact of this missense change. The variant allele was found at a frequency of 2.4e-05 in 250998 control chromosomes. The available data on variant occurrences in the general population are insufficient to allow any conclusion about variant significance. To our knowledge, no occurrence of c.122G>A in individuals affected with CHRNB2-related conditions and no experimental evidence demonstrating its impact on protein function have been reported. ClinVar contains an entry for this variant (Variation ID: 420432). Based on the evidence outlined above, the variant was classified as uncertain significance.

Labcorp Genetics (formerly Invitae), Labcorp
Classification: Likely benign. Last evaluated: 2025-08-06. Review status: criteria provided, single submitter. Criteria: Invitae Variant Classification Sherloc (09022015). Collection method: clinical testing. Allele origin: germline.

Blueprint Genetics
Classification: Uncertain significance. Last evaluated: 2024-08-09. Review status: criteria provided, single submitter. Criteria: ACMG Guidelines, 2015. Collection method: clinical testing. Allele origin: germline.

New York Genome Center
Classification: Uncertain significance for Autosomal dominant nocturnal frontal lobe epilepsy 3. Last evaluated: 2021-03-05. Review status: criteria provided, single submitter. Criteria: NYGC Assertion Criteria 2020. Collection method: clinical testing. Allele origin: inherited. Observed: 1 heterozygote. Study: CSER-NYCKidSeq.

GeneDx
Classification: Likely benign. Last evaluated: 2021-01-04. Review status: criteria provided, single submitter. Criteria: GeneDx Variant Classification Process June 2021. Collection method: clinical testing. Allele origin: germline. Affected: yes.